The following is an entry in ClinVar:

NM_000069.3(CACNA1S):c.4858C>G (p.Pro1620Ala)

Gene: CACNA1S (calcium voltage-gated channel subunit alpha1 S; minus strand). Cytogenetic location: 1q32.1.
Variant type: single nucleotide variant.
Coding change: c.4858C>G on transcript NM_000069.3 (MANE Select); coding-DNA position 4858, C replaced by G.
Protein change: p.Pro1620Ala; replaces proline 1620 with alanine.
Molecular consequence: missense variant.
Genome position (GRCh38, 1-based): chr1:201,043,471, G>C on the plus strand (C>G on the coding strand, the complement: CACNA1S is on the minus strand). VCF-style: chr1-201043471-G-C. GRCh37 (hg19) VCF-style: chr1-201012599-G-C.
Other names: c.4858C>G (NM_000069.2); short protein forms P1620A.
Identifiers: ClinVar variation 1399438 (VCV001399438.11), dbSNP rs199691275, ClinGen allele CA083612.

ClinVar aggregate classification (germline): Conflicting classifications of pathogenicity. Review status: criteria provided, conflicting classifications (1 of 4 stars). 4 submissions from 4 submitters: Uncertain significance (2); Benign (1); Likely benign (1). Last evaluated 2025-06-30.

Conditions:
Inborn genetic diseases. Identifiers: MedGen C0950123, MeSH D030342.
Hypokalemic periodic paralysis, type 1. Also called: HypoPP; Hypokalemic Periodic Paralysis Type 1 (AD). Identifiers: Orphanet 681, MedGen C3714580, MONDO:0042979, OMIM 170400.
Malignant hyperthermia, susceptibility to, 5 (MHS5). Also called: CACNA1S-Related Malignant Hyperthermia Susceptibility. Identifiers: Orphanet 423, MedGen C1866077, MONDO:0011163, OMIM 601887.

Allele frequency attached by ClinVar (database versions not stated): gnomAD exomes 0.00003; ExAC 0.00004; gnomAD 0.00011; ESP Exome Variant Server 0.00015; TOPMed 0.00015; 1000 Genomes Project 30x 0.00016; 1000 Genomes Project 0.00020.
gnomAD v4.1: 23 of 1,614,036 alleles (0.0014%); highest among the groups gnomAD compares: African/African-American, 0.031%; no homozygotes.

Submissions (4):

Labcorp Genetics (formerly Invitae), Labcorp
Classification: Benign for Hypokalemic periodic paralysis, type 1; Malignant hyperthermia, susceptibility to, 5. Last evaluated: 2025-06-30. Review status: criteria provided, single submitter. Criteria: Invitae Variant Classification Sherloc (09022015). Collection method: clinical testing. Allele origin: germline.

Ambry Genetics
Classification: Uncertain significance for Inborn genetic diseases. Last evaluated: 2025-03-15. Review status: criteria provided, single submitter. Criteria: Ambry Variant Classification Scheme 2023. Collection method: clinical testing. Allele origin: germline.

Color Diagnostics, LLC DBA Color Health
Classification: Uncertain significance for Malignant hyperthermia, susceptibility to, 5. Last evaluated: 2024-07-10. Review status: criteria provided, single submitter. Criteria: ACMG Guidelines, 2015. Collection method: clinical testing. Allele origin: germline.
Comment: This missense variant replaces proline with alanine at codon 1620 of the CACNA1S protein. Computational prediction suggests that this variant may not impact protein structure and function. To our knowledge, functional studies have not been reported for this variant. This variant has not been reported in individuals affected with CACNA1S-related disorders in the literature. This variant has been identified in 11/282722 chromosomes in the general population by the Genome Aggregation Database (gnomAD). The available evidence is insufficient to determine the role of this variant in disease conclusively. Therefore, this variant is classified as a Variant of Uncertain Significance.

Blueprint Genetics
Classification: Likely benign. Last evaluated: 2023-11-20. Review status: criteria provided, single submitter. Criteria: ACMG Guidelines, 2015. Collection method: clinical testing. Allele origin: germline.